The following is an entry in ClinVar:

ClinVar aggregate classification (germline): Likely pathogenic (1 of 4 stars; one submission).

Conditions:
Mowat-Wilson syndrome (MOWS). Also called: Classic Mowat-Wilson Syndrome. Identifiers: Orphanet 2152, MedGen C1856113, MONDO:0009341, OMIM 235730.

Submission:

Neuberg Centre For Genomic Medicine, NCGM
Classification: Likely pathogenic for Mowat-Wilson syndrome. Review status: criteria provided, single submitter. Criteria: ACMG Guidelines, 2015. Collection method: clinical testing. Allele origin: germline. Affected: yes.
Comment: The frameshift deletion p.P110Qfs*4 in ZEB2 (NM_014795.4) has not been reported previously as a pathogenic variant nor as a benign variant, to our knowledge. The p.P110Qfs*4 variant is novel (not in any individuals) in gnomAD Exomes and is novel (not in any individuals) in 1000 Genomes. This variant is predicted to cause loss of normal protein function through protein truncation. Loss of function variants have been reported to be disease causing. For these reasons, this variant has been classified as Likely Pathogenic

NM_014795.4(ZEB2):c.329del (p.Pro110fs)

Gene: ZEB2 (zinc finger E-box binding homeobox 2; minus strand). Cytogenetic location: 2q22.3.
Variant type: Deletion.
Coding change: c.329del on transcript NM_014795.4 (MANE Select); coding-DNA position 329, one base deleted (C; older notation c.329delC).
Protein change: p.Pro110fs; shifts the reading frame from proline 110.
Molecular consequence: frameshift variant.
Genome position (GRCh38, 1-based): chr2:144,429,771, G deleted on the plus strand (C on the coding strand, the reverse complement: ZEB2 is on the minus strand); the first of 2 consecutive G bases (chr2:144,429,771-144,429,772); deleting either gives the same sequence. VCF-style (leftmost placement, unchanged base first): chr2-144429770-TG-T. GRCh37 (hg19) VCF-style: chr2-145187337-TG-T.
Other names: c.329del, p.Pro110fs (NM_001171653.2); short protein forms P110fs.
Identifiers: ClinVar variation 1878651 (VCV001878651.1), dbSNP rs2549120592, ClinGen allele CA2580063837.